The following is an entry in ClinVar:

ClinVar aggregate classification (germline): Uncertain significance (1 of 4 stars; one submission).

Conditions:
Epidermolysis bullosa simplex 3, localized or generalized intermediate, with BP230 deficiency (EBS3). Also called: Epidermolysis bullosa simplex, autosomal recessive 2; Epidermolysis bullosa simplex due to BP230 deficiency. Identifiers: Orphanet 412181, MedGen C3809470, MONDO:0014180, OMIM 615425.
Hereditary sensory and autonomic neuropathy type 6. Also called: HSAN VI; Neuropathy, hereditary sensory and autonomic, type VI. Identifiers: Orphanet 314381, MedGen C3539003, MONDO:0013839, OMIM 614653.

gnomAD v4.1: 17 of 1,614,154 alleles (0.0011%); highest among the groups gnomAD compares: African/African-American, 0.0013%; no homozygotes.

Submission:

Labcorp Genetics (formerly Invitae), Labcorp
Classification: Uncertain significance for Epidermolysis bullosa simplex 3, localized or generalized intermediate, with BP230 deficiency; Hereditary sensory and autonomic neuropathy type 6. Last evaluated: 2025-05-22. Review status: criteria provided, single submitter. Criteria: Invitae Variant Classification Sherloc (09022015). Collection method: clinical testing. Allele origin: germline.
Comment: This sequence change replaces threonine, which is neutral and polar, with alanine, which is neutral and non-polar, at codon 2627 of the DST protein (p.Thr2627Ala). This variant is not present in population databases (gnomAD no frequency). This variant has not been reported in the literature in individuals affected with DST-related conditions. An algorithm developed to predict the effect of missense changes on protein structure and function (PolyPhen-2) suggests that this variant is likely to be disruptive. In summary, the available evidence is currently insufficient to determine the role of this variant in disease. Therefore, it has been classified as a Variant of Uncertain Significance.

NM_001723.7(DST):c.7879A>G (p.Thr2627Ala)

Gene: DST (dystonin; minus strand). Cytogenetic location: 6p12.1.
Variant type: single nucleotide variant.
Coding change: c.7879A>G on transcript NM_001723.7 (MANE Plus Clinical); coding-DNA position 7879, A replaced by G.
Protein change: p.Thr2627Ala; replaces threonine 2627 with alanine.
Molecular consequence: missense variant. On other transcripts: intron variant (10).
Genome position (GRCh38, 1-based): chr6:56,615,588, T>C on the plus strand (A>G on the coding strand, the complement: DST is on the minus strand). VCF-style: chr6-56615588-T-C. GRCh37 (hg19) VCF-style: chr6-56480386-T-C.
Other names: c.4831-1104A>G (NM_001144769.5); c.4930-1104A>G (NM_001374722.1, NM_001374736.1); c.4957-1104A>G (NM_001374734.1); c.4417-1104A>G (NM_001144770.2); c.4297-1104A>G (NM_001374730.1, NM_001386100.1, NM_183380.4 and 1 more transcripts); c.3319-1104A>G (NM_015548.5); short protein forms T2627A.
Identifiers: ClinVar variation 4787435 (VCV004787435.1).